The following is an entry in ClinVar:

NM_001843.4(CNTN1):c.1088G>A (p.Arg363Gln)

Gene: CNTN1 (contactin 1; plus strand). Cytogenetic location: 12q12.
Variant type: single nucleotide variant.
Coding change: c.1088G>A on transcript NM_001843.4 (MANE Select); coding-DNA position 1088, G replaced by A.
Protein change: p.Arg363Gln; replaces arginine 363 with glutamine.
Molecular consequence: missense variant.
Genome position (GRCh38, 1-based): chr12:40,936,883, G>A. VCF-style: chr12-40936883-G-A. GRCh37 (hg19) VCF-style: chr12-41330685-G-A.
Other names: c.1088G>A, p.Arg363Gln (NM_001256063.2, NM_001256064.2); c.1055G>A, p.Arg352Gln (NM_175038.2); c.1088G>A (NM_001843.2); short protein forms R352Q, R363Q.
Identifiers: ClinVar variation 946467 (VCV000946467.9), dbSNP rs769750595, ClinGen allele CA6516775.

ClinVar aggregate classification (germline): Uncertain significance. Review status: criteria provided, multiple submitters, no conflicts (2 of 4 stars). 2 submissions from 2 submitters: Uncertain significance (2). Last evaluated 2025-05-19.

Conditions:
Inborn genetic diseases. Identifiers: MedGen C0950123, MeSH D030342.
Compton-North congenital myopathy (CMYO12). Identifiers: Orphanet 210163, MedGen C2675527, MONDO:0012929, OMIM 612540.

Allele frequency attached by ClinVar (database versions not stated): gnomAD exomes 0.00002 and 0.00006; gnomAD 0.00003 and 0.00004; ExAC 0.00007; TOPMed 0.00008.

Submissions (2):

Ambry Genetics
Classification: Uncertain significance for Inborn genetic diseases. Last evaluated: 2025-05-19. Review status: criteria provided, single submitter. Criteria: Ambry Variant Classification Scheme 2023. Collection method: clinical testing. Allele origin: germline.

Labcorp Genetics (formerly Invitae), Labcorp
Classification: Uncertain significance for Compton-North congenital myopathy. Last evaluated: 2023-08-17. Review status: criteria provided, single submitter. Criteria: Invitae Variant Classification Sherloc (09022015). Collection method: clinical testing. Allele origin: germline.
Comment: This sequence change replaces arginine, which is basic and polar, with glutamine, which is neutral and polar, at codon 363 of the CNTN1 protein (p.Arg363Gln). This variant is present in population databases (rs769750595, gnomAD 0.02%). This variant has not been reported in the literature in individuals affected with CNTN1-related conditions. ClinVar contains an entry for this variant (Variation ID: 946467). Advanced modeling of protein sequence and biophysical properties (such as structural, functional, and spatial information, amino acid conservation, physicochemical variation, residue mobility, and thermodynamic stability) performed at Invitae indicates that this missense variant is not expected to disrupt CNTN1 protein function. In summary, the available evidence is currently insufficient to determine the role of this variant in disease. Therefore, it has been classified as a Variant of Uncertain Significance.